The following is an entry in ClinVar:

NM_000143.4(FH):c.723_724del (p.Leu242fs)

Gene: FH (fumarate hydratase; minus strand). Cytogenetic location: 1q43.
Variant type: Deletion.
Coding change: c.723_724del on transcript NM_000143.4 (MANE Select); coding-DNA positions 723 to 724, 2 bases deleted (AC; older notation c.723_724delAC).
Protein change: p.Leu242fs; shifts the reading frame from leucine 242.
Molecular consequence: frameshift variant.
Genome position (GRCh38, 1-based): chr1:241,508,617-241,508,618, GT deleted on the plus strand (AC on the coding strand, the reverse complement: FH is on the minus strand); deleting any 2 consecutive bases within chr1:241,508,617-241,508,619 gives the same sequence; the c. name uses the placement nearest the transcript's 3' end. VCF-style (leftmost placement, unchanged base first): chr1-241508616-AGT-A. GRCh37 (hg19) VCF-style: chr1-241671916-AGT-A.
Other names: short protein forms L242fs.
Identifiers: ClinVar variation 1447732 (VCV001447732.6), dbSNP rs2147919403, ClinGen allele CA2573132936.
Genomic context (GRCh38, chr1:241,508,616, plus strand): 5'-ATTTGTACCAAGCTCTAAATTGAATCAAATTAGTCAAACTCCTATACCTGCCCAAGAGTA[AGT>A]GGAACAGCATCCTGAGTATGAGTACGTCCAATCTTGATGATCTGTGCAAACTCTTTGGAT-3'

ClinVar aggregate classification (germline): Pathogenic (1 of 4 stars; one submission).

Submission:

Labcorp Genetics (formerly Invitae), Labcorp
Classification: Pathogenic. Last evaluated: 2022-08-12. Review status: criteria provided, single submitter. Criteria: Invitae Variant Classification Sherloc (09022015). Collection method: clinical testing. Allele origin: germline.
Comment: This variant has not been reported in the literature in individuals affected with FH-related conditions. For these reasons, this variant has been classified as Pathogenic. ClinVar contains an entry for this variant (Variation ID: 1447732). This variant is not present in population databases (gnomAD no frequency). This sequence change creates a premature translational stop signal (p.Leu242Tyrfs*7) in the FH gene. It is expected to result in an absent or disrupted protein product. Loss-of-function variants in FH are known to be pathogenic (PMID: 11865300, 21398687).

Literature cited by the submitters: PubMed 11865300; PubMed 21398687.